The following is an entry in ClinVar:

ClinVar aggregate classification (germline): Uncertain significance (1 of 4 stars; one submission).

Conditions:
Hyperphosphatasia with intellectual disability syndrome 5 (GPIBD11). Also called: GLYCOSYLPHOSPHATIDYLINOSITOL BIOSYNTHESIS DEFECT 11. Identifiers: Orphanet 247262, MedGen C4014958, MONDO:0014457, OMIM 616025.

Submission:

Labcorp Genetics (formerly Invitae), Labcorp
Classification: Uncertain significance for Hyperphosphatasia with intellectual disability syndrome 5. Last evaluated: 2024-10-16. Review status: criteria provided, single submitter. Criteria: Invitae Variant Classification Sherloc (09022015). Collection method: clinical testing. Allele origin: germline.
Comment: This sequence change replaces glutamine, which is neutral and polar, with histidine, which is basic and polar, at codon 5 of the PIGW protein (p.Gln5His). This variant is not present in population databases (gnomAD no frequency). This variant has not been reported in the literature in individuals affected with PIGW-related conditions. ClinVar contains an entry for this variant (Variation ID: 2012882). Invitae Evidence Modeling of protein sequence and biophysical properties (such as structural, functional, and spatial information, amino acid conservation, physicochemical variation, residue mobility, and thermodynamic stability) indicates that this missense variant is not expected to disrupt PIGW protein function with a negative predictive value of 80%. In summary, the available evidence is currently insufficient to determine the role of this variant in disease. Therefore, it has been classified as a Variant of Uncertain Significance.

NM_001346754.2(PIGW):c.15G>T (p.Gln5His)

Genes: MYO19 (myosin XIX; minus strand), PIGW (phosphatidylinositol glycan anchor biosynthesis class W; plus strand). Cytogenetic location: 17q12.
Variant type: single nucleotide variant.
Coding change: c.15G>T on transcript NM_001346754.2 (MANE Select); coding-DNA position 15, G replaced by T.
Protein change: p.Gln5His; replaces glutamine 5 with histidine.
Molecular consequence: missense variant.
Genome position (GRCh38, 1-based): chr17:36,537,116, G>T. VCF-style: chr17-36537116-G-T. GRCh37 (hg19) VCF-style: chr17-34892965-G-T.
Other names: c.15G>T, p.Gln5His (NM_001346755.2, NM_178517.5); short protein forms Q5H.
Identifiers: ClinVar variation 2012882 (VCV002012882.4), dbSNP rs1053869803, ClinGen allele CA399161431.
Genomic context (GRCh38, chr17:36,537,116, plus strand): 5'-CTTTTCACAAATCCATTCCTTTGCTCTTGTTTTCACAGGAAGAAAAATGTCTGAAAAGCA[G>T]ATGAAGGAAGCTTTTGTCAGTAACCTCAATGGAACCACCGTGCTGGAAATCACCCAGGGA-3'
Protein context (NP_001333683.1, residues 1-15): MSEK[Gln5His]MKEAFVSNLN